The following is an entry in ClinVar:

NM_153717.3(EVC):c.2732G>A (p.Arg911Gln)

Gene: EVC (EvC ciliary complex subunit 1; plus strand). Cytogenetic location: 4p16.2.
Variant type: single nucleotide variant.
Coding change: c.2732G>A on transcript NM_153717.3 (MANE Select); coding-DNA position 2732, G replaced by A.
Protein change: p.Arg911Gln; replaces arginine 911 with glutamine.
Molecular consequence: missense variant.
Genome position (GRCh38, 1-based): chr4:5,809,561, G>A. VCF-style: chr4-5809561-G-A. GRCh37 (hg19) VCF-style: chr4-5811288-G-A.
Other names: c.2732G>A, p.Arg911Gln (NM_001306090.2); short protein forms R911Q.
Identifiers: ClinVar variation 969014 (VCV000969014.8), dbSNP rs930402783, ClinGen allele CA91727355.

ClinVar aggregate classification (germline): Uncertain significance. Review status: criteria provided, multiple submitters, no conflicts (2 of 4 stars). 3 submissions from 3 submitters: Uncertain significance (2). 1 of the submissions does not count toward it. Last evaluated 2024-02-20.

Conditions:
Curry-Hall syndrome (WAD). Also called: WEYERS ACRODENTAL DYSOSTOSIS. Identifiers: Orphanet 952, MedGen C0457013, MONDO:0008673, OMIM 193530.
Ellis-van Creveld syndrome (EVC). Also called: EVC-Related Ellis-van Creveld Syndrome; EVC2-Related Ellis-van Creveld Syndrome; MESOECTODERMAL DYSPLASIA; Chondroectodermal dysplasia. Identifiers: Orphanet 289, MedGen C0013903, MONDO:0009162, OMIM 225500.
Inborn genetic diseases. Identifiers: MedGen C0950123, MeSH D030342.

Allele frequency attached by ClinVar (database versions not stated): gnomAD exomes below 0.00001; gnomAD 0.00001.
gnomAD v4.1: 48 of 1,614,078 alleles (0.003%); highest among the groups gnomAD compares: Non-Finnish European, 0.0037%; no homozygotes.

Submissions (3):

Labcorp Genetics (formerly Invitae), Labcorp
Classification: Uncertain significance for Curry-Hall syndrome; Ellis-van Creveld syndrome. Last evaluated: 2024-02-20. Review status: criteria provided, single submitter. Criteria: Invitae Variant Classification Sherloc (09022015). Collection method: clinical testing. Allele origin: germline.
Comment: This sequence change replaces arginine, which is basic and polar, with glutamine, which is neutral and polar, at codon 911 of the EVC protein (p.Arg911Gln). This variant is present in population databases (no rsID available, gnomAD 0.002%). This variant has not been reported in the literature in individuals affected with EVC-related conditions. ClinVar contains an entry for this variant (Variation ID: 969014). Advanced modeling of protein sequence and biophysical properties (such as structural, functional, and spatial information, amino acid conservation, physicochemical variation, residue mobility, and thermodynamic stability) performed at Invitae indicates that this missense variant is expected to disrupt EVC protein function with a positive predictive value of 80%. In summary, the available evidence is currently insufficient to determine the role of this variant in disease. Therefore, it has been classified as a Variant of Uncertain Significance.

Ambry Genetics
Classification: Uncertain significance for Inborn genetic diseases. Last evaluated: 2022-12-13. Review status: criteria provided, single submitter. Criteria: Ambry Variant Classification Scheme 2023. Collection method: clinical testing. Allele origin: germline.

Natera, Inc.
Classification: Uncertain significance for Ellis-van Creveld syndrome. Last evaluated: 2020-03-07. Review status: no assertion criteria provided. Collection method: clinical testing. Allele origin: germline. Not counted in ClinVar's aggregate classification.